The following is an entry in ClinVar:

NM_006766.5(KAT6A):c.2404C>T (p.Pro802Ser)

Gene: KAT6A (lysine acetyltransferase 6A; minus strand). Cytogenetic location: 8p11.21.
Variant type: single nucleotide variant.
Coding change: c.2404C>T on transcript NM_006766.5 (MANE Select); coding-DNA position 2404, C replaced by T.
Protein change: p.Pro802Ser; replaces proline 802 with serine.
Molecular consequence: missense variant.
Genome position (GRCh38, 1-based): chr8:41,942,825, G>A on the plus strand (C>T on the coding strand, the complement: KAT6A is on the minus strand). VCF-style: chr8-41942825-G-A. GRCh37 (hg19) VCF-style: chr8-41800343-G-A.
Other names: c.2404C>T, p.Pro802Ser (NM_001305878.2); short protein forms P802S.
Identifiers: ClinVar variation 1955776 (VCV001955776.5), dbSNP rs2486774925, ClinGen allele CA371072538.

ClinVar aggregate classification (germline): Uncertain significance (1 of 4 stars; one submission).

Submission:

Labcorp Genetics (formerly Invitae), Labcorp
Classification: Uncertain significance. Last evaluated: 2023-03-03. Review status: criteria provided, single submitter. Criteria: Invitae Variant Classification Sherloc (09022015). Collection method: clinical testing. Allele origin: germline.
Comment: In summary, the available evidence is currently insufficient to determine the role of this variant in disease. Therefore, it has been classified as a Variant of Uncertain Significance. Advanced modeling of protein sequence and biophysical properties (such as structural, functional, and spatial information, amino acid conservation, physicochemical variation, residue mobility, and thermodynamic stability) performed at Invitae indicates that this missense variant is not expected to disrupt KAT6A protein function. ClinVar contains an entry for this variant (Variation ID: 1955776). This variant has not been reported in the literature in individuals affected with KAT6A-related conditions. This variant is not present in population databases (gnomAD no frequency). This sequence change replaces proline, which is neutral and non-polar, with serine, which is neutral and polar, at codon 802 of the KAT6A protein (p.Pro802Ser).